The following is an entry in ClinVar:

NM_005529.7(HSPG2):c.4313C>T (p.Thr1438Met)

Gene: HSPG2 (heparan sulfate proteoglycan 2; minus strand). Cytogenetic location: 1p36.12.
Variant type: single nucleotide variant.
Coding change: c.4313C>T on transcript NM_005529.7 (MANE Select); coding-DNA position 4313, C replaced by T.
Protein change: p.Thr1438Met; replaces threonine 1438 with methionine.
Molecular consequence: missense variant.
Genome position (GRCh38, 1-based): chr1:21,865,718, G>A on the plus strand (C>T on the coding strand, the complement: HSPG2 is on the minus strand). VCF-style: chr1-21865718-G-A. GRCh37 (hg19) VCF-style: chr1-22192211-G-A.
Other names: c.4316C>T, p.Thr1439Met (NM_001291860.2); short protein forms T1439M, T1438M.
Identifiers: ClinVar variation 2407582 (VCV002407582.18), dbSNP rs745820640, ClinGen allele CA672322.
Genomic context (GRCh38, chr1:21,865,718, plus strand): 5'-GGTGCCCCTGGCTTCCATCCTGCCCTTCTGCCCACCCAGCATGGTGTCCAAATGCTCACC[G>A]TGATCTGCACATCGGGGTCAGAGAGTGGGCTGCCCTGTGGGCCTGCTGTGTAGGAGAGGG-3'
Protein context (NP_005520.4, residues 1428-1448): SPLSDPDVQI[Thr1438Met]GNNIMLVASQ

ClinVar aggregate classification (germline): Uncertain significance. Review status: criteria provided, multiple submitters, no conflicts (2 of 4 stars). 2 submissions from 2 submitters: Uncertain significance (2). Last evaluated 2024-09-01.

Conditions:
Inborn genetic diseases. Identifiers: MedGen C0950123, MeSH D030342.

Allele frequency attached by ClinVar (database versions not stated): ExAC 0.00002; gnomAD 0.00002; TOPMed 0.00003.
gnomAD v4.1: 26 of 1,611,880 alleles (0.0016%); highest among the groups gnomAD compares: African/African-American, 0.012%; no homozygotes.

Submissions (2):

CeGaT Center for Human Genetics Tuebingen
Classification: Uncertain significance. Last evaluated: 2024-09-01. Review status: criteria provided, single submitter. Criteria: CeGaT Center For Human Genetics Tuebingen Variant Classification Criteria Version 2. Collection method: clinical testing. Allele origin: germline. Affected: yes. Observed: 1 variant allele.
Comment: HSPG2: PM2, BP4

Ambry Genetics
Classification: Uncertain significance for Inborn genetic diseases. Last evaluated: 2021-09-01. Review status: criteria provided, single submitter. Criteria: Ambry Variant Classification Scheme 2023. Collection method: clinical testing. Allele origin: germline.